The following is an entry in ClinVar:

ClinVar aggregate classification (germline): Likely benign. Review status: criteria provided, single submitter (1 of 4 stars). 2 submissions from 2 submitters: Likely benign (1). 1 of the submissions does not count toward it. Last evaluated 2024-09-13.

Conditions:
ATP13A2-related disorder. Also called: ATP13A2-related condition; ATP13A2-related disorders.

Allele frequency attached by ClinVar (database versions not stated): gnomAD exomes below 0.00001.
gnomAD v4.1: 1 of 1,604,712 alleles (0.000062%); highest among the groups gnomAD compares: Non-Finnish European, 0.000085%; no homozygotes.

Submissions (2):

Blueprint Genetics
Classification: Likely benign. Last evaluated: 2024-09-13. Review status: criteria provided, single submitter. Criteria: ACMG Guidelines, 2015. Collection method: clinical testing. Allele origin: germline.

PreventionGenetics, part of Exact Sciences
Classification: Likely benign for ATP13A2-related condition. Last evaluated: 2019-11-13. Review status: no assertion criteria provided. Collection method: clinical testing. Allele origin: germline. Not counted in ClinVar's aggregate classification.
Comment: This variant is classified as likely benign based on ACMG/AMP sequence variant interpretation guidelines (Richards et al. 2015 PMID: 25741868, with internal and published modifications).

NM_022089.4(ATP13A2):c.3236-7C>T

Gene: ATP13A2 (ATPase cation transporting 13A2; minus strand). Cytogenetic location: 1p36.13.
Variant type: single nucleotide variant.
Coding change: c.3236-7C>T on transcript NM_022089.4 (MANE Select); 7 bases into the intron before coding-DNA position 3236, C replaced by T.
Molecular consequence: intron variant.
Genome position (GRCh38, 1-based): chr1:16,986,639, G>A on the plus strand (C>T on the coding strand, the complement: ATP13A2 is on the minus strand). VCF-style: chr1-16986639-G-A. GRCh37 (hg19) VCF-style: chr1-17313134-G-A.
Other names: c.3103+166C>T (NM_001141974.3); c.3221-7C>T (NM_001141973.3).
Identifiers: ClinVar variation 3045029 (VCV003045029.3), dbSNP rs2522718458, ClinGen allele CA2643670576.